The following is an entry in ClinVar:

ClinVar aggregate classification (germline): Likely benign (1 of 4 stars; one submission).

gnomAD v4.1: 35 of 1,208,784 alleles (0.0029%); highest among the groups gnomAD compares: Non-Finnish European, 0.0035%; no homozygotes.

Submission:

CeGaT Center for Human Genetics Tuebingen
Classification: Likely benign. Last evaluated: 2025-04-01. Review status: criteria provided, single submitter. Criteria: CeGaT Center For Human Genetics Tuebingen Variant Classification Criteria Version 2. Collection method: clinical testing. Allele origin: germline. Affected: yes. Observed: 1 variant allele.
Comment: AFF2: BP4, BS2

NM_002025.4(AFF2):c.481C>T (p.Arg161Cys)

Gene: AFF2 (ALF transcription elongation factor 2; plus strand). Cytogenetic location: Xq28.
Variant type: single nucleotide variant.
Coding change: c.481C>T on transcript NM_002025.4 (MANE Select); coding-DNA position 481, C replaced by T.
Protein change: p.Arg161Cys; replaces arginine 161 with cysteine.
Molecular consequence: missense variant.
Genome position (GRCh38, 1-based): chrX:148,662,208, C>T. VCF-style: chrX-148662208-C-T. GRCh37 (hg19) VCF-style: chrX-147743729-C-T.
Other names: c.469C>T, p.Arg157Cys (NM_001169122.2, NM_001169123.2, NM_001169125.2); c.481C>T, p.Arg161Cys (NM_001169124.2); short protein forms R157C, R161C.
Identifiers: ClinVar variation 3905522 (VCV003905522.10).
Genomic context (GRCh38, chrX:148,662,208, plus strand): 5'-GTTGTGATACTGAATTCAACTCTAATACACAGCAACAGAAAATCAAAACCTGAGTGGTCA[C>T]GTGATAGTCATAACCCTAGCACTGTACTGGCAAGCCAGGCCAGTGGTCAGCCAAACAAGA-3'
Protein context (NP_002016.2, residues 151-171): SNRKSKPEWS[Arg161Cys]DSHNPSTVLA